The following is an entry in ClinVar:

ClinVar aggregate classification (germline): Uncertain significance (1 of 4 stars; one submission).

Conditions:
Infantile spasms. Also called: Infantile spasm. Identifiers: MedGen C3887898, HP:0012469.

Allele frequency attached by ClinVar (database versions not stated): gnomAD exomes below 0.00001.
gnomAD v4.1: 1 of 1,609,160 alleles (0.000062%); highest among the groups gnomAD compares: Admixed American, 0.0017%; no homozygotes.

Submission:

Labcorp Genetics (formerly Invitae), Labcorp
Classification: Uncertain significance for Infantile spasms. Last evaluated: 2019-12-10. Review status: criteria provided, single submitter. Criteria: Invitae Variant Classification Sherloc (09022015). Collection method: clinical testing. Allele origin: germline.
Comment: In summary, the available evidence is currently insufficient to determine the role of this variant in disease. Therefore, it has been classified as a Variant of Uncertain Significance. Algorithms developed to predict the effect of missense changes on protein structure and function are either unavailable or do not agree on the potential impact of this missense change (SIFT: "Deleterious"; PolyPhen-2: "Probably Damaging"; Align-GVGD: "Class C0"). This variant has not been reported in the literature in individuals with PIK3AP1-related conditions. This variant is not present in population databases (ExAC no frequency). This sequence change replaces lysine with asparagine at codon 406 of the PIK3AP1 protein (p.Lys406Asn). The lysine residue is highly conserved and there is a moderate physicochemical difference between lysine and asparagine.

NM_152309.3(PIK3AP1):c.1218A>C (p.Lys406Asn)

Gene: PIK3AP1 (phosphoinositide-3-kinase adaptor protein 1; minus strand). Cytogenetic location: 10q24.1.
Variant type: single nucleotide variant.
Coding change: c.1218A>C on transcript NM_152309.3 (MANE Select); coding-DNA position 1218, A replaced by C.
Protein change: p.Lys406Asn; replaces lysine 406 with asparagine.
Molecular consequence: missense variant.
Genome position (GRCh38, 1-based): chr10:96,645,630, T>G on the plus strand (A>C on the coding strand, the complement: PIK3AP1 is on the minus strand). VCF-style: chr10-96645630-T-G. GRCh37 (hg19) VCF-style: chr10-98405387-T-G.
Other names: short protein forms K406N.
Identifiers: ClinVar variation 860990 (VCV000860990.9), dbSNP rs1177724670, ClinGen allele CA377744484.
Genomic context (GRCh38, chr10:96,645,630, plus strand): 5'-GGAAAGGTGGGCCATGGACTCGTACACAGCATCAGCCTCCTCCCCGTGCATCAGTTCCTC[T>G]TTAATGTGACTCTTGAGCATGTCCACCGTTTCCTGAAAGAGAAGATGAGGCCCACGGCGC-3'
Protein context (NP_689522.2, residues 396-416): ETVDMLKSHI[Lys406Asn]EELMHGEEAD